The following is an entry in ClinVar:

NM_001958.5(EEF1A2):c.336A>G (p.Ala112=)

Gene: EEF1A2 (eukaryotic translation elongation factor 1 alpha 2; minus strand). Cytogenetic location: 20q13.33.
Variant type: single nucleotide variant.
Coding change: c.336A>G on transcript NM_001958.5 (MANE Select); coding-DNA position 336, A replaced by G.
Protein change: p.Ala112=; no amino-acid change (alanine 112 retained).
Molecular consequence: synonymous variant.
Genome position (GRCh38, 1-based): chr20:63,495,090, T>C on the plus strand (A>G on the coding strand, the complement: EEF1A2 is on the minus strand). VCF-style: chr20-63495090-T-C. GRCh37 (hg19) VCF-style: chr20-62126443-T-C.
Identifiers: ClinVar variation 387011 (VCV000387011.1), dbSNP rs1057522663, ClinGen allele CA16608035.

ClinVar aggregate classification (germline): Likely benign (1 of 4 stars; one submission).

Allele frequency attached by ClinVar (database versions not stated): gnomAD exomes below 0.00001.
gnomAD v4.1: 1 of 1,609,312 alleles (0.000062%); highest among the groups gnomAD compares: South Asian, 0.0011%; no homozygotes.

Submission:

GeneDx
Classification: Likely benign. Last evaluated: 2016-06-16. Review status: criteria provided, single submitter. Criteria: GeneDx Variant Classification (06012015). Collection method: clinical testing. Allele origin: germline. Affected: yes.
Comment: This variant is considered likely benign or benign based on one or more of the following criteria: it is a conservative change, it occurs at a poorly conserved position in the protein, it is predicted to be benign by multiple in silico algorithms, and/or has population frequency not consistent with disease.